The following is an entry in ClinVar:

ClinVar aggregate classification (germline): Uncertain significance (1 of 4 stars; one submission).

Submission:

CeGaT Center for Human Genetics Tuebingen
Classification: Uncertain significance. Last evaluated: 2025-12-01. Review status: criteria provided, single submitter. Criteria: CeGaT Center For Human Genetics Tuebingen Variant Classification Criteria Version 2. Collection method: clinical testing. Allele origin: germline. Affected: yes. Observed: 1 variant allele.
Comment: KAT8: PM2

NM_032188.3(KAT8):c.372_373insCT (p.Lys125fs)

Gene: KAT8 (lysine acetyltransferase 8; plus strand). Cytogenetic location: 16p11.2.
Variant type: Insertion.
Coding change: c.372_373insCT on transcript NM_032188.3 (MANE Select); coding-DNA positions 372 to 373, CT inserted.
Protein change: p.Lys125fs; shifts the reading frame from lysine 125.
Molecular consequence: frameshift variant.
Genome position: GRCh38 VCF-style: chr16-31120424-G-GCT. GRCh37 (hg19) VCF-style: chr16-31131745-G-GCT.
Other names: c.372_373insCT, p.Lys125fs (NM_182958.4); short protein forms K125fs.
Identifiers: ClinVar variation 4681896 (VCV004681896.5).